The following is an entry in ClinVar:

NM_001267550.2(TTN):c.62723G>A (p.Arg20908Gln)

Genes: TTN (titin; minus strand), TTN-AS1 (TTN antisense RNA 1; plus strand). Cytogenetic location: 2q31.2.
Variant type: single nucleotide variant.
Coding change: c.62723G>A on transcript NM_001267550.2 (MANE Select); coding-DNA position 62723, G replaced by A.
Protein change: p.Arg20908Gln; replaces arginine 20908 with glutamine.
Molecular consequence: missense variant.
Genome position (GRCh38, 1-based): chr2:178,589,002, C>T on the plus strand (G>A on the coding strand, the complement: TTN is on the minus strand). VCF-style: chr2-178589002-C-T. GRCh37 (hg19) VCF-style: chr2-179453729-C-T.
Other names: p.R19267Q:CGA>CAA; c.57800G>A, p.Arg19267Gln (NM_001256850.1); c.35528G>A, p.Arg11843Gln (NM_003319.4); c.55019G>A, p.Arg18340Gln (NM_133378.4); c.35903G>A, p.Arg11968Gln (NM_133432.3); c.36104G>A, p.Arg12035Gln (NM_133437.4); short protein forms R19267Q, R20908Q, R18340Q, R11843Q, R11968Q, R12035Q.
Identifiers: ClinVar variation 202764 (VCV000202764.62), dbSNP rs377203669, ClinGen allele CA310212.

ClinVar aggregate classification (germline): Conflicting classifications of pathogenicity. Review status: criteria provided, conflicting classifications (1 of 4 stars). 8 submissions from 8 submitters: Uncertain significance (3); Likely benign (5). Last evaluated 2026-09-04.

Conditions:
TTN-related disorder. Also called: TTN-related condition; TTN-related disease; TTN-related disorders.
Cardiovascular phenotype. Identifiers: MedGen CN230736.
Autosomal recessive limb-girdle muscular dystrophy type 2J (LGMDR10). Also called: Limb-girdle muscular dystrophy, type 2J; MUSCULAR DYSTROPHY, LIMB-GIRDLE, AUTOSOMAL RECESSIVE 10. Identifiers: Orphanet 140922, MedGen C1837342, MONDO:0012127, OMIM 608807.
Dilated cardiomyopathy 1G (CMD1G). Identifiers: Orphanet 154, MedGen C1858763, MONDO:0011400, OMIM 604145.

Allele frequency attached by ClinVar (database versions not stated): gnomAD exomes 0.00003 and 0.00008; TOPMed 0.00007; ExAC 0.00008; ESP Exome Variant Server 0.00008; 1000 Genomes Project 30x 0.00016; 1000 Genomes Project 0.00020.
gnomAD v4.1: 59 of 1,611,324 alleles (0.0037%); highest among the groups gnomAD compares: East Asian, 0.04%; no homozygotes.

Submissions (8):

PreventionGenetics, part of Exact Sciences
Classification: Uncertain significance for TTN-related condition. Last evaluated: 2026-09-04. Review status: criteria provided, single submitter. Criteria: ACMG Guidelines, 2015. Collection method: clinical testing. Allele origin: germline.
Comment: The TTN c.62723G>A variant is predicted to result in the amino acid substitution p.Arg20908Gln. This variant has been reported in a cohort of individuals with a dilated cardiomyopathy phenotype (Table S3, Mazzarotto et al. 2020. PubMed ID: 31983221) and in an individual with Brugada syndrome (referred to as c.35528G>A, p.Arg11843Gln in transcript NM_003319, Chen et al. 2022. PubMed ID: 36303204). This variant is reported in 0.080% of alleles in individuals of East Asian descent in gnomAD. Although we suspect that this variant may be benign, at this time, the clinical significance of this variant is uncertain due to the absence of conclusive functional and genetic evidence.

Labcorp Genetics (formerly Invitae), Labcorp
Classification: Likely benign for Dilated cardiomyopathy 1G; Autosomal recessive limb-girdle muscular dystrophy type 2J. Last evaluated: 2026-01-19. Review status: criteria provided, single submitter. Criteria: Invitae Variant Classification Sherloc (09022015). Collection method: clinical testing. Allele origin: germline.

Women's Health and Genetics/Laboratory Corporation of America, LabCorp
Classification: Likely benign. Last evaluated: 2025-12-15. Review status: criteria provided, single submitter. Criteria: LabCorp Variant Classification Summary - May 2015. Collection method: clinical testing. Allele origin: germline.
Comment: Variant summary: TTN c.55019G>A (p.Arg18340Gln) results in a conservative amino acid change in the encoded protein sequence. Algorithms developed to predict the effect of missense changes on protein structure and function are either unavailable or do not agree on the potential impact of this missense change. The variant allele was found at a frequency of 8.1e-05 in 245600 control chromosomes, predominantly at a frequency of 0.0008 within the East Asian subpopulation in the gnomAD database. The observed variant frequency within East Asian control individuals in the gnomAD database exceeds the estimated maximal expected allele frequency for disease-causing variants in TTN. c.55019G>A has been observed in individual(s) affected with Brugada syndrome (example: Chen_2022). These report(s) do not provide unequivocal conclusions about association of the variant with Autosomal Recessive Titinopathy. To our knowledge, no experimental evidence demonstrating an impact on protein function has been reported. The following publication has been ascertained in the context of this evaluation (PMID: 36303204). ClinVar contains an entry for this variant (Variation ID: 202764). Based on the evidence outlined above, the variant was classified as likely benign.

Blueprint Genetics
Classification: Likely benign. Last evaluated: 2024-01-23. Review status: criteria provided, single submitter. Criteria: ACMG Guidelines, 2015. Collection method: clinical testing. Allele origin: germline.

GeneDx
Classification: Likely benign. Last evaluated: 2021-04-19. Review status: criteria provided, single submitter. Criteria: GeneDx Variant Classification Process June 2021. Collection method: clinical testing. Allele origin: germline. Affected: yes.
Comment: This variant is associated with the following publications: (PMID: 31983221)

Ambry Genetics
Classification: Likely benign for Cardiovascular phenotype. Last evaluated: 2020-08-25. Review status: criteria provided, single submitter. Criteria: Ambry Variant Classification Scheme 2023. Collection method: clinical testing. Allele origin: germline.

CeGaT Center for Human Genetics Tuebingen
Classification: Uncertain significance. Last evaluated: 2019-06-01. Review status: criteria provided, single submitter. Criteria: CeGaT Center For Human Genetics Tuebingen Variant Classification Criteria Version 2. Collection method: clinical testing. Allele origin: germline. Affected: yes. Observed: 1 variant allele.

Revvity Omics, Revvity
Classification: Uncertain significance. Last evaluated: 2019-04-25. Review status: criteria provided, single submitter. Criteria: ACMG Guidelines, 2015. Collection method: clinical testing. Allele origin: germline.

Literature cited by the submitters: PubMed 36303204 (cited by Women's Health and Genetics/Laboratory Corporation of America, LabCorp).